The following is an entry in ClinVar:

NM_000038.6(APC):c.6972_6983del (p.Gly2325_Ser2328del)

Gene: APC (APC regulator of Wnt signaling pathway; plus strand). Cytogenetic location: 5q22.2.
Variant type: Deletion.
Coding change: c.6972_6983del on transcript NM_000038.6 (MANE Select); coding-DNA positions 6972 to 6983, 12 bases deleted (TGGCCGAAACTC).
Protein change: p.Gly2325_Ser2328del.
Molecular consequence: inframe deletion.
Genome position (GRCh38, 1-based): chr5:112,842,566-112,842,577, TGGCCGAAACTC deleted; deleting any 12 consecutive bases within chr5:112,842,565-112,842,577 gives the same sequence; the c. name uses the placement nearest the transcript's 3' end. VCF-style (leftmost placement, unchanged base first): chr5-112842564-CCTGGCCGAAACT-C. GRCh37 (hg19) VCF-style: chr5-112178261-CCTGGCCGAAACT-C.
Other names: c.6972_6983del, p.Gly2325_Ser2328del (NM_001127510.3, NM_001354895.2); c.6918_6929del, p.Gly2307_Ser2310del (NM_001127511.3); c.7026_7037del, p.Gly2343_Ser2346del (NM_001354896.2); c.7002_7013del, p.Gly2335_Ser2338del (NM_001354897.2); c.6897_6908del, p.Gly2300_Ser2303del (NM_001354898.2); c.6888_6899del, p.Gly2297_Ser2300del (NM_001354899.2); c.6849_6860del, p.Gly2284_Ser2287del (NM_001354900.2); c.6795_6806del, p.Gly2266_Ser2269del (NM_001354901.2); and 5 more.
Identifiers: ClinVar variation 826738 (VCV000826738.4), dbSNP rs1580676957, ClinGen allele CA915943519.

ClinVar aggregate classification (germline): Uncertain significance (1 of 4 stars; one submission).

Conditions:
Hereditary cancer-predisposing syndrome. Also called: Neoplastic Syndromes, Hereditary; Tumor predisposition; Hereditary neoplastic syndrome; Hereditary Cancer Syndrome. Identifiers: Orphanet 140162, MedGen C0027672, MeSH D009386, MONDO:0015356.

Submission:

Ambry Genetics
Classification: Uncertain significance for Hereditary cancer-predisposing syndrome. Last evaluated: 2018-07-10. Review status: criteria provided, single submitter. Criteria: Ambry Variant Classification Scheme 2023. Collection method: clinical testing. Allele origin: germline.
Comment: The c.6972_6983del12 variant (also known as p.G2325_S2328del) is located in coding exon 15 of the APC gene. This variant results from an in-frame TGGCCGAAACTC deletion at nucleotide positions 6972 to 6983. This results in the in-frame deletion of 4 amino acids (GRNS) between codons 2325 and 2328. This amino acid region is highly conserved in available vertebrate species. Since supporting evidence is limited at this time, the clinical significance of this alteration remains unclear.